The following is an entry in ClinVar:

NM_003193.5(TBCE):c.512T>A (p.Val171Glu)

Gene: TBCE (tubulin folding cofactor E; plus strand). Cytogenetic location: 1q42.3.
Variant type: single nucleotide variant.
Coding change: c.512T>A on transcript NM_003193.5 (MANE Select); coding-DNA position 512, T replaced by A.
Protein change: p.Val171Glu; replaces valine 171 with glutamic acid.
Molecular consequence: missense variant.
Genome position (GRCh38, 1-based): chr1:235,427,191, T>A. VCF-style: chr1-235427191-T-A. GRCh37 (hg19) VCF-style: chr1-235590506-T-A.
Other names: c.512T>A, p.Val171Glu (NM_001079515.3, NM_001287801.2); c.173T>A, p.Val58Glu (NM_001287802.2); short protein forms V58E, V171E.
Identifiers: ClinVar variation 2770629 (VCV002770629.5), dbSNP rs1680771305, ClinGen allele CA344930369.
Genomic context (GRCh38, chr1:235,427,191, plus strand): 5'-TGCTTTTAGATATCAGAAAGGTAGATTTGTCAAAAAACCTGTTGTCATCATGGGATGAAG[T>A]GATACACATTGCTGATCAGCTCAGACACCTGGAAGTCCTTAATGTCAGGTATGAACTCTT-3'
Protein context (NP_003184.1, residues 161-181): SKNLLSSWDE[Val171Glu]IHIADQLRHL

ClinVar aggregate classification (germline): Uncertain significance. Review status: criteria provided, single submitter (1 of 4 stars). 2 submissions from 2 submitters: Uncertain significance (1). 1 of the submissions does not count toward it. Last evaluated 2023-10-22.

Conditions:
MYOPATHY WITH RIGID SPINE, SCOLIOSIS, AND MALE-LIMITED HYPERGONADOTROPIC HYPOGONADISM (MRSG). Identifiers: MedGen CN382445, OMIM 621734.

Allele frequency attached by ClinVar (database versions not stated): gnomAD exomes below 0.00001; TOPMed below 0.00001.
gnomAD v4.1: 1 of 1,614,072 alleles (0.000062%); highest among the groups gnomAD compares: African/African-American, 0.0013%; no homozygotes.

Submissions (2):

Labcorp Genetics (formerly Invitae), Labcorp
Classification: Uncertain significance. Last evaluated: 2023-10-22. Review status: criteria provided, single submitter. Criteria: Invitae Variant Classification Sherloc (09022015). Collection method: clinical testing. Allele origin: germline.
Comment: This sequence change replaces valine, which is neutral and non-polar, with glutamic acid, which is acidic and polar, at codon 171 of the TBCE protein (p.Val171Glu). This variant is not present in population databases (gnomAD no frequency). This variant has not been reported in the literature in individuals affected with TBCE-related conditions. Advanced modeling of protein sequence and biophysical properties (such as structural, functional, and spatial information, amino acid conservation, physicochemical variation, residue mobility, and thermodynamic stability) performed at Invitae indicates that this missense variant is expected to disrupt TBCE protein function. In summary, the available evidence is currently insufficient to determine the role of this variant in disease. Therefore, it has been classified as a Variant of Uncertain Significance.

OMIM
Classification: Pathogenic for MYOPATHY WITH RIGID SPINE, SCOLIOSIS, AND MALE-LIMITED HYPERGONADOTROPIC HYPOGONADISM. Last evaluated: 2026-11-02. Review status: no assertion criteria provided. Collection method: literature only. Allele origin: germline. Not counted in ClinVar's aggregate classification.

Literature cited by the submitters: PubMed 39657131 (cited by OMIM).